The following is an entry in ClinVar:

ClinVar aggregate classification (germline): Uncertain significance (1 of 4 stars; one submission).

Submission:

Labcorp Genetics (formerly Invitae), Labcorp
Classification: Uncertain significance. Last evaluated: 2021-06-28. Review status: criteria provided, single submitter. Criteria: Invitae Variant Classification Sherloc (09022015). Collection method: clinical testing. Allele origin: germline.
Comment: This variant has not been reported in the literature in individuals affected with GPR179-related conditions. This sequence change replaces glutamine with proline at codon 1154 of the GPR179 protein (p.Gln1154Pro). The glutamine residue is moderately conserved and there is a moderate physicochemical difference between glutamine and proline. This variant is not present in population databases (ExAC no frequency). Algorithms developed to predict the effect of missense changes on protein structure and function are either unavailable or do not agree on the potential impact of this missense change (SIFT: "Deleterious"; PolyPhen-2: "Probably Damaging"; Align-GVGD: "Class C0"). In summary, the available evidence is currently insufficient to determine the role of this variant in disease. Therefore, it has been classified as a Variant of Uncertain Significance.

NM_001004334.4(GPR179):c.3461A>C (p.Gln1154Pro)

Gene: GPR179 (G protein-coupled receptor 179; minus strand). Cytogenetic location: 17q12.
Variant type: single nucleotide variant.
Coding change: c.3461A>C on transcript NM_001004334.4 (MANE Select); coding-DNA position 3461, A replaced by C.
Protein change: p.Gln1154Pro; replaces glutamine 1154 with proline.
Molecular consequence: missense variant.
Genome position (GRCh38, 1-based): chr17:38,330,108, T>G on the plus strand (A>C on the coding strand, the complement: GPR179 is on the minus strand). VCF-style: chr17-38330108-T-G. GRCh37 (hg19) VCF-style: chr17-36485991-T-G.
Other names: short protein forms Q1154P.
Identifiers: ClinVar variation 1364019 (VCV001364019.8), dbSNP rs2144261312, ClinGen allele CA398879731.